The following is an entry in ClinVar:

NM_000256.3(MYBPC3):c.3753T>C (p.Tyr1251=)

Gene: MYBPC3 (myosin binding protein C3; minus strand). Cytogenetic location: 11p11.2.
Variant type: single nucleotide variant.
Coding change: c.3753T>C on transcript NM_000256.3 (MANE Select); coding-DNA position 3753, T replaced by C.
Protein change: p.Tyr1251=; no amino-acid change (tyrosine 1251 retained).
Molecular consequence: synonymous variant.
Genome position (GRCh38, 1-based): chr11:47,332,133, A>G on the plus strand (T>C on the coding strand, the complement: MYBPC3 is on the minus strand). VCF-style: chr11-47332133-A-G. GRCh37 (hg19) VCF-style: chr11-47353684-A-G.
Identifiers: ClinVar variation 42740 (VCV000042740.19), dbSNP rs397516039, ClinGen allele CA014777.

ClinVar aggregate classification (germline): Conflicting classifications of pathogenicity. Review status: criteria provided, conflicting classifications (1 of 4 stars). 6 submissions from 5 submitters: Uncertain significance (2); Benign (1); Likely benign (3). Last evaluated 2025-12-12.

Conditions:
Cardiovascular phenotype. Identifiers: MedGen CN230736.
Left ventricular noncompaction 10 (LVNC10). Identifiers: Orphanet 154, Orphanet 54260, MedGen C3715165, MONDO:0014163, OMIM 615396.
Cardiomyopathy (CMYO). Also called: Cardiomyopathies. Identifiers: Orphanet 167848, MedGen C0878544, MONDO:0004994, HP:0001638. Inheritance: Various modes of inheritance.
Hypertrophic cardiomyopathy 4. Also called: Familial hypertrophic cardiomyopathy 4. Identifiers: MedGen C1861862, MONDO:0007268, OMIM 115197.
Hypertrophic cardiomyopathy. Also called: HYPERTROPHIC MYOCARDIOPATHY. Identifiers: Orphanet 217569, MedGen C0007194, MeSH D002312, MONDO:0005045, HP:0001639.

Allele frequency attached by ClinVar (database versions not stated): gnomAD exomes 0.00010 and 0.00004; ExAC 0.00012; 1000 Genomes Project 30x 0.00016; gnomAD below 0.00001 and 0.00003; TOPMed 0.00002; 1000 Genomes Project 0.00020.
gnomAD v4.1: 56 of 1,613,696 alleles (0.0035%); highest among the groups gnomAD compares: South Asian, 0.056%; no homozygotes.

Submissions (6):

Labcorp Genetics (formerly Invitae), Labcorp
Classification: Benign for Hypertrophic cardiomyopathy. Last evaluated: 2025-12-12. Review status: criteria provided, single submitter. Criteria: Invitae Variant Classification Sherloc (09022015). Collection method: clinical testing. Allele origin: germline.

Ambry Genetics
Classification: Likely benign for Cardiovascular phenotype. Last evaluated: 2024-01-03. Review status: criteria provided, single submitter. Criteria: Ambry Variant Classification Scheme 2023. Collection method: clinical testing. Allele origin: germline.

CHEO Genetics Diagnostic Laboratory, Children's Hospital of Eastern Ontario
Classification: Likely benign for Cardiomyopathy. Last evaluated: 2021-01-22. Review status: criteria provided, single submitter. Criteria: ACMG Guidelines, 2015. Collection method: clinical testing. Allele origin: germline.

Laboratory for Molecular Medicine, Mass General Brigham Personalized Medicine
Classification: Likely benign. Last evaluated: 2020-09-23. Review status: criteria provided, single submitter. Criteria: ACMG Guidelines, 2015. Collection method: clinical testing. Allele origin: germline.
Comment: The p.Tyr1251Tyr variant in MYBPC3 is classified as likely benign because it does not alter an amino acid residue, is not located within the splice consensus site, and computational splice prediction tools do not predict an impact on splicing. It has been identified in 0.07% (22/30600) of South Asian chromosomes by gnomAD. ACMG/AMP Criteria applied: BS1, BP4, BP7.

Illumina Laboratory Services, Illumina
Classification: Uncertain significance for Left ventricular noncompaction 10. Last evaluated: 2017-04-28. Review status: criteria provided, single submitter. Criteria: ICSL Variant Classification Criteria 13 December 2019. Collection method: clinical testing. Allele origin: germline.

Illumina Laboratory Services, Illumina
Classification: Uncertain significance for Hypertrophic cardiomyopathy 4. Last evaluated: 2017-04-28. Review status: criteria provided, single submitter. Criteria: ICSL Variant Classification Criteria 13 December 2019. Collection method: clinical testing. Allele origin: germline.
Comment: This variant was observed as part of a predisposition screen in an ostensibly healthy population. A literature search was performed for the gene, cDNA change, and amino acid change (where applicable). Publications were found based on this search. However, the evidence from the literature, in combination with allele frequency data from public databases where available, was not sufficient to rule this variant in or out of causing disease. Therefore, this variant is classified as a variant of unknown significance.

Literature cited by the submitters: PubMed 19035361 (cited by Illumina Laboratory Services, Illumina).